The following is an entry in ClinVar:

NC_000002.11:g.(?_29754771)_(29754992_?)del

Gene: ALK (ALK receptor tyrosine kinase; minus strand). Cytogenetic location: 2p23.2.
Variant type: Deletion.
Identifiers: ClinVar variation 2425055 (VCV002425055.4).

ClinVar aggregate classification (germline): Uncertain significance (1 of 4 stars; one submission).

Conditions:
Neuroblastoma, susceptibility to, 3. Also called: ALK-Related Neuroblastic Tumor Susceptibility. Identifiers: Orphanet 635, MedGen C2751681, MONDO:0013083, OMIM 613014.

Submission:

Labcorp Genetics (formerly Invitae), Labcorp
Classification: Uncertain significance for Neuroblastoma, susceptibility to, 3. Last evaluated: 2023-01-17. Review status: criteria provided, single submitter. Criteria: Invitae Variant Classification Sherloc (09022015). Collection method: clinical testing. Allele origin: germline.
Comment: In summary, the available evidence is currently insufficient to determine the role of this variant in disease. Therefore, it has been classified as a Variant of Uncertain Significance. This variant has not been reported in the literature in individuals affected with ALK-related conditions. This variant is a gross deletion of the genomic region encompassing exon(s) 4 of the ALK gene. This deletion is out-of-frame, and is expected to create a premature translational stop signal and result in an absent or disrupted protein product. However, the current clinical and genetic evidence is not sufficient to establish whether loss-of-function variants in ALK cause disease.